The following is an entry in ClinVar:

NM_020832.3(ZNF687):c.938A>G (p.Asp313Gly)

Gene: ZNF687 (zinc finger protein 687; plus strand). Cytogenetic location: 1q21.3.
Variant type: single nucleotide variant.
Coding change: c.938A>G on transcript NM_020832.3 (MANE Select); coding-DNA position 938, A replaced by G.
Protein change: p.Asp313Gly; replaces aspartic acid 313 with glycine.
Molecular consequence: missense variant.
Genome position (GRCh38, 1-based): chr1:151,287,229, A>G. VCF-style: chr1-151287229-A-G. GRCh37 (hg19) VCF-style: chr1-151259705-A-G.
Other names: c.938A>G, p.Asp313Gly (NM_001304763.2, NM_001304764.2); short protein forms D313G.
Identifiers: ClinVar variation 3663675 (VCV003663675.2).

ClinVar aggregate classification (germline): Uncertain significance (1 of 4 stars; one submission).

Submission:

Labcorp Genetics (formerly Invitae), Labcorp
Classification: Uncertain significance. Last evaluated: 2024-10-21. Review status: criteria provided, single submitter. Criteria: Invitae Variant Classification Sherloc (09022015). Collection method: clinical testing. Allele origin: germline.
Comment: This sequence change replaces aspartic acid, which is acidic and polar, with glycine, which is neutral and non-polar, at codon 313 of the ZNF687 protein (p.Asp313Gly). This variant is not present in population databases (gnomAD no frequency). This variant has not been reported in the literature in individuals affected with ZNF687-related conditions. An algorithm developed to predict the effect of missense changes on protein structure and function (PolyPhen-2) suggests that this variant is likely to be disruptive. In summary, the available evidence is currently insufficient to determine the role of this variant in disease. Therefore, it has been classified as a Variant of Uncertain Significance.